The following is an entry in ClinVar:

NM_001114753.3(ENG):c.1539G>T (p.Lys513Asn)

Genes: ENG (endoglin; minus strand), LOC102723566 (uncharacterized LOC102723566; plus strand). Cytogenetic location: 9q34.11.
Variant type: single nucleotide variant.
Coding change: c.1539G>T on transcript NM_001114753.3 (MANE Select); coding-DNA position 1539, G replaced by T.
Protein change: p.Lys513Asn; replaces lysine 513 with asparagine.
Molecular consequence: missense variant.
Genome position (GRCh38, 1-based): chr9:127,818,267, C>A on the plus strand (G>T on the coding strand, the complement: ENG is on the minus strand). VCF-style: chr9-127818267-C-A. GRCh37 (hg19) VCF-style: chr9-130580546-C-A.
Other names: c.1539G>T, p.Lys513Asn (NM_000118.4); c.993G>T, p.Lys331Asn (NM_001278138.2); short protein forms K331N, K513N.
Identifiers: ClinVar variation 4870476 (VCV004870476.1).
Genomic context (GRCh38, chr9:127,818,267, plus strand): 5'-GAGGAAGCTGAAGCGCGGGTCACCCTCGGGGCTTGGGGACAGCAGGCTCACACAGTTGCC[C>A]TTGGCCGCCCGGCCCTGGATGAGTTCCACGGTGCCTCCCTCAGGCCCCAAGTCCAGGTGG-3'
Protein context (NP_001108225.1, residues 503-523): TVELIQGRAA[Lys513Asn]GNCVSLLSPS

ClinVar aggregate classification (germline): Uncertain significance (1 of 4 stars; one submission).

Conditions:
Cardiovascular phenotype. Identifiers: MedGen CN230736.

Submission:

Ambry Genetics
Classification: Uncertain significance for Cardiovascular phenotype. Last evaluated: 2026-05-27. Review status: criteria provided, single submitter. Criteria: Ambry Variant Classification Scheme 2023. Collection method: clinical testing. Allele origin: germline.
Comment: The p.K513N variant (also known as c.1539G>T), located in coding exon 12 of the ENG gene, results from a G to T substitution at nucleotide position 1539. The lysine at codon 513 is replaced by asparagine, an amino acid with similar properties. This amino acid position is conserved. In addition, this alteration is predicted to be tolerated by in silico analysis. Based on the available evidence, the clinical significance of this variant remains unclear.